The following is an entry in ClinVar:

ClinVar aggregate classification (germline): Uncertain significance (1 of 4 stars; one submission).

Conditions:
Dyskeratosis congenita. Identifiers: Orphanet 1775, MedGen C0265965, MONDO:0015780.

gnomAD v4.1: 1 of 1,614,150 alleles (0.000062%); highest among the groups gnomAD compares: Non-Finnish European, 0.000085%; no homozygotes.

Submission:

Ambry Genetics
Classification: Uncertain significance for Dyskeratosis congenita. Last evaluated: 2026-05-15. Review status: criteria provided, single submitter. Criteria: Ambry Variant Classification Scheme 2023. Collection method: clinical testing. Allele origin: germline.
Comment: The p.L557P variant (also known as c.1670T>C), located in coding exon 3 of the TERT gene, results from a T to C substitution at nucleotide position 1670. The leucine at codon 557 is replaced by proline, an amino acid with similar properties. This variant was reported in individual(s) with features consistent with TERT-related disorder; at least one individual was reported to have a telomere length <1st percentile (Niaz A et al. Blood Adv, 2022 Jun;6:3779-3791; Ambry internal data). This variant has been identified in the homozygous state and/or in conjunction with other TERT variant(s) in individual(s) with features consistent with TERT-related disorder; in at least one instance, the variants were identified in trans (Niaz A et al. Blood Adv, 2022 Jun;6:3779-3791). This amino acid position is highly conserved in available vertebrate species. In addition, this alteration is predicted to be deleterious by in silico analysis. Based on the available evidence, the clinical significance of this variant remains unclear.

Literature cited by the submitters: PubMed 35477117.

NM_198253.3(TERT):c.1670T>C (p.Leu557Pro)

Gene: TERT (telomerase reverse transcriptase; minus strand). Cytogenetic location: 5p15.33.
Variant type: single nucleotide variant.
Coding change: c.1670T>C on transcript NM_198253.3 (MANE Select); coding-DNA position 1670, T replaced by C.
Protein change: p.Leu557Pro; replaces leucine 557 with proline.
Molecular consequence: missense variant. On other transcripts: non-coding transcript variant (2).
Genome position (GRCh38, 1-based): chr5:1,282,528, A>G on the plus strand (T>C on the coding strand, the complement: TERT is on the minus strand). VCF-style: chr5-1282528-A-G. GRCh37 (hg19) VCF-style: chr5-1282643-A-G.
Other names: c.1670T>C, p.Leu557Pro (NM_001193376.3); short protein forms L557P.
Identifiers: ClinVar variation 4865444 (VCV004865444.1).
Genomic context (GRCh38, chr5:1,282,528, plus strand): 5'-CGGTAGAAAAAGAGCCTGTTCTTTTGAAACGTGGTCTCCGTGACATAAAAGAAAGACCTG[A>G]GCAGCTCGACGACGTACACACTCATCAGCCAGTGCAGGAACTTGGCCAGGATCTCCTCAC-3'
Protein context (NP_937983.2, residues 547-567): WLMSVYVVEL[Leu557Pro]RSFFYVTETT